The following is an entry in ClinVar:

NM_003072.5(SMARCA4):c.4762T>A (p.Ser1588Thr)

Gene: SMARCA4 (SWI/SNF related BAF chromatin remodeling complex subunit ATPase 4; plus strand). Cytogenetic location: 19p13.2.
Variant type: single nucleotide variant.
Coding change: c.4762T>A on transcript NM_003072.5 (MANE Select); coding-DNA position 4762, T replaced by A.
Protein change: p.Ser1588Thr; replaces serine 1588 with threonine.
Molecular consequence: missense variant. On other transcripts: non-coding transcript variant (1).
Genome position (GRCh38, 1-based): chr19:11,059,879, T>A. VCF-style: chr19-11059879-T-A. GRCh37 (hg19) VCF-style: chr19-11170555-T-A.
Other names: c.4663T>A, p.Ser1555Thr (NM_001374457.1, NM_001128847.4); c.4858T>A, p.Ser1620Thr (NM_001387283.1, NM_001128849.3); c.4759T>A, p.Ser1587Thr (NM_001411150.1); c.4762T>A, p.Ser1588Thr (NM_001128844.3); c.4672T>A, p.Ser1558Thr (NM_001128845.2); c.4669T>A, p.Ser1557Thr (NM_001128846.2); c.4660T>A, p.Ser1554Thr (NM_001128848.2); short protein forms S1558T, S1587T, S1588T, S1554T, S1557T, S1620T, S1555T.
Identifiers: ClinVar variation 1743607 (VCV001743607.2), dbSNP rs766283505, ClinGen allele CA404079900.

ClinVar aggregate classification (germline): Uncertain significance (1 of 4 stars; one submission).

Conditions:
Hereditary cancer-predisposing syndrome. Also called: Hereditary Cancer Syndrome; Neoplastic Syndromes, Hereditary; Tumor predisposition; Hereditary neoplastic syndrome. Identifiers: Orphanet 140162, MedGen C0027672, MeSH D009386, MONDO:0015356.

Submission:

Ambry Genetics
Classification: Uncertain significance for Hereditary cancer-predisposing syndrome. Last evaluated: 2022-10-04. Review status: criteria provided, single submitter. Criteria: Ambry Variant Classification Scheme 2023. Collection method: clinical testing. Allele origin: germline.
Comment: The p.S1620T variant (also known as c.4858T>A), located in coding exon 33 of the SMARCA4 gene, results from a T to A substitution at nucleotide position 4858. The serine at codon 1620 is replaced by threonine, an amino acid with similar properties. This amino acid position is highly conserved in available vertebrate species. In addition, this alteration is predicted to be tolerated by in silico analysis. Missense and in-frame variants in SMARCA4 are known to cause neurodevelopmental disorders; however, such associations with rhabdoid tumor predisposition syndrome including small cell carcinoma of the ovary-hypercalcemic type (SCCOHT) are exceedingly rare (Kosho T et al. Am J Med Genet C Semin Med Genet. 2014 Sep;166C(3):262-75; Jelinic P et al. Nat Genet. 2014 May;46(5):424-6). Based on the supporting evidence, the association of this alteration with Coffin-Siris syndrome is unknown; however, the association of this alteration with rhabdoid tumor predisposition syndrome is unlikely.